The following is an entry in ClinVar:

NM_019114.5(EPB41L4B):c.2630C>T (p.Ala877Val)

Gene: EPB41L4B (erythrocyte membrane protein band 4.1 like 4B; minus strand). Cytogenetic location: 9q31.3.
Variant type: single nucleotide variant.
Coding change: c.2630C>T on transcript NM_019114.5 (MANE Select); coding-DNA position 2630, C replaced by T.
Protein change: p.Ala877Val; replaces alanine 877 with valine.
Molecular consequence: missense variant.
Genome position (GRCh38, 1-based): chr9:109,176,554, G>A on the plus strand (C>T on the coding strand, the complement: EPB41L4B is on the minus strand). VCF-style: chr9-109176554-G-A. GRCh37 (hg19) VCF-style: chr9-111938834-G-A.
Other names: c.2522C>T, p.Ala841Val (NM_001385623.1); short protein forms A841V, A877V.
Identifiers: ClinVar variation 2353008 (VCV002353008.16), dbSNP rs201310807, ClinGen allele CA5177582.
Genomic context (GRCh38, chr9:109,176,554, plus strand): 5'-TCTCCCTGGTTTCCCTGTCACCAGAATTACCTGTCGGAACCTGCTGACCTGACCTACCTG[G>A]CTGCCAGAGAAACAGGTTTCCGGGTGGTGTAAATGGTCTGCACTGTGGAGACGGTCTCTG-3'
Protein context (NP_061987.3, residues 867-887): YTTRKPVSLA[Ala877Val]SAETLRQELE

ClinVar aggregate classification (germline): Conflicting classifications of pathogenicity. Review status: criteria provided, conflicting classifications (1 of 4 stars). 2 submissions from 2 submitters: Uncertain significance (1); Likely benign (1). Last evaluated 2026-06-01.

Allele frequency attached by ClinVar (database versions not stated): 1000 Genomes Project 0.00060; 1000 Genomes Project 30x 0.00062; ESP Exome Variant Server 0.00074; ExAC 0.00080; TOPMed 0.00085.
gnomAD v4.1: 1,164 of 1,605,702 alleles (0.072%); highest among the groups gnomAD compares: Middle Eastern, 0.23%; 5 homozygotes.

Submissions (2):

CeGaT Center for Human Genetics Tuebingen
Classification: Likely benign. Last evaluated: 2026-06-01. Review status: criteria provided, single submitter. Criteria: CeGaT Center For Human Genetics Tuebingen Variant Classification Criteria Version 2. Collection method: clinical testing. Allele origin: germline. Affected: yes. Observed: 2 variant alleles.
Comment: EPB41L4B: BP4, BS2

Ambry Genetics
Classification: Uncertain significance. Last evaluated: 2021-12-20. Review status: criteria provided, single submitter. Criteria: Ambry Variant Classification Scheme 2023. Collection method: clinical testing. Allele origin: germline.